The following is an entry in ClinVar:

NM_001042492.3(NF1):c.2251+3A>G

Gene: NF1 (neurofibromin 1; plus strand). Cytogenetic location: 17q11.2.
Variant type: single nucleotide variant.
Coding change: c.2251+3A>G on transcript NM_001042492.3 (MANE Select); 3 bases into the intron after coding-DNA position 2251, A replaced by G.
Molecular consequence: intron variant.
Genome position (GRCh38, 1-based): chr17:31,226,687, A>G. VCF-style: chr17-31226687-A-G. GRCh37 (hg19) VCF-style: chr17-29553705-A-G.
Other names: c.2251+3A>G (NM_000267.4).
Identifiers: ClinVar variation 2124473 (VCV002124473.4), dbSNP rs2067021249, ClinGen allele CA982963827.

ClinVar aggregate classification (germline): Uncertain significance (1 of 4 stars; one submission).

Conditions:
Neurofibromatosis, type 1 (NF1). Also called: Peripheral type neurofibromatosis; NEUROFIBROMATOSIS, TYPE I, SOMATIC; Neurofibromatosis, type I; VON RECKLINGHAUSEN DISEASE. Identifiers: Orphanet 636, MedGen C0027831, MONDO:0018975, OMIM 162200. Disease mechanism: loss of function.

Allele frequency attached by ClinVar (database versions not stated): gnomAD exomes below 0.00001; gnomAD 0.00001.
gnomAD v4.1: 2 of 1,613,600 alleles (0.00012%); highest among the groups gnomAD compares: South Asian, 0.0022%; no homozygotes.

Submission:

Labcorp Genetics (formerly Invitae), Labcorp
Classification: Uncertain significance for Neurofibromatosis, type 1. Last evaluated: 2022-04-11. Review status: criteria provided, single submitter. Criteria: Invitae Variant Classification Sherloc (09022015). Collection method: clinical testing. Allele origin: germline.
Comment: This sequence change falls in intron 18 of the NF1 gene. It does not directly change the encoded amino acid sequence of the NF1 protein. It affects a nucleotide within the consensus splice site. This variant is not present in population databases (gnomAD no frequency). This variant has been observed in individual(s) with neurofibromatosis type 1 (PMID: 26056819). Variants that disrupt the consensus splice site are a relatively common cause of aberrant splicing (PMID: 17576681, 9536098). Algorithms developed to predict the effect of sequence changes on RNA splicing suggest that this variant is not likely to affect RNA splicing. In summary, the available evidence is currently insufficient to determine the role of this variant in disease. Therefore, it has been classified as a Variant of Uncertain Significance.

Literature cited by the submitters: PubMed 26056819; PubMed 17576681; PubMed 9536098.